The following is an entry in ClinVar:

ClinVar aggregate classification (germline): Conflicting classifications of pathogenicity. Review status: criteria provided, conflicting classifications (1 of 4 stars). 5 submissions from 5 submitters: Uncertain significance (1); Benign (3); Likely benign (1). Last evaluated 2026-01-29.

Conditions:
Microcephaly 1, primary, autosomal recessive (MCPH1). Also called: PREMATURE CHROMOSOME CONDENSATION SYNDROME; PCC SYNDROME; PREMATURE CHROMOSOME CONDENSATION WITH MICROCEPHALY AND MENTAL RETARDATION. Identifiers: Orphanet 2512, MedGen C1855081, MONDO:0009617, OMIM 251200.

Allele frequency attached by ClinVar (database versions not stated): gnomAD exomes 0.00033 and 0.00085; ExAC 0.00106; ESP Exome Variant Server 0.00282; gnomAD 0.00302; 1000 Genomes Project 0.00319; TOPMed 0.00375; 1000 Genomes Project 30x 0.00406.
gnomAD v4.1: 1,021 of 1,614,256 alleles (0.063%); highest among the groups gnomAD compares: African/African-American, 1.2%; 8 homozygotes.

Submissions (5):

Labcorp Genetics (formerly Invitae), Labcorp
Classification: Benign. Last evaluated: 2026-01-29. Review status: criteria provided, single submitter. Criteria: Invitae Variant Classification Sherloc (09022015). Collection method: clinical testing. Allele origin: germline.

GeneDx
Classification: Benign. Last evaluated: 2019-11-19. Review status: criteria provided, single submitter. Criteria: GeneDx Variant Classification Process June 2021. Collection method: clinical testing. Allele origin: germline. Affected: yes.

Illumina Laboratory Services, Illumina
Classification: Likely benign for Microcephaly 1, primary, autosomal recessive. Last evaluated: 2018-01-13. Review status: criteria provided, single submitter. Criteria: ICSL Variant Classification Criteria 13 December 2019. Collection method: clinical testing. Allele origin: germline.
Comment: This variant was observed in the ICSL laboratory as part of a predisposition screen in an ostensibly healthy population. It had not been previously curated by ICSL or reported in the Human Gene Mutation Database (HGMD: prior to June 1st, 2018), and was therefore a candidate for classification through an automated scoring system. Utilizing variant allele frequency, disease prevalence and penetrance estimates, and inheritance mode, an automated score was calculated to assess if this variant is too frequent to cause the disease. Based on the score and internal cut-off values, a variant classified as likely benign is not then subjected to further curation. The score for this variant resulted in a classification of likely benign for this disease.

Eurofins Ntd Llc (ga)
Classification: Benign. Last evaluated: 2015-05-27. Review status: criteria provided, single submitter. Criteria: EGL Classification Definitions 2015. Collection method: clinical testing. Allele origin: germline. Observed: 2 variant alleles, 2 heterozygotes.

Genetic Services Laboratory, University of Chicago
Classification: Uncertain significance for Microcephaly 1, primary, autosomal recessive. Last evaluated: 2014-02-10. Review status: criteria provided, single submitter. Criteria: ACMG Guidelines, 2007. Collection method: clinical testing. Allele origin: germline. Inheritance: Autosomal recessive inheritance.

NM_024596.5(MCPH1):c.1495G>A (p.Val499Met)

Gene: MCPH1 (microcephalin 1; plus strand). Cytogenetic location: 8p23.1.
Variant type: single nucleotide variant.
Coding change: c.1495G>A on transcript NM_024596.5 (MANE Select); coding-DNA position 1495, G replaced by A.
Protein change: p.Val499Met; replaces valine 499 with methionine.
Molecular consequence: missense variant. On other transcripts: non-coding transcript variant (1).
Genome position (GRCh38, 1-based): chr8:6,445,217, G>A. VCF-style: chr8-6445217-G-A. GRCh37 (hg19) VCF-style: chr8-6302738-G-A.
Other names: c.1495G>A, p.Val499Met (NM_001172574.2, NM_001322042.2, NM_001363979.1 and 1 more transcripts); c.1351G>A, p.Val451Met (NM_001172575.2); c.1489G>A, p.Val497Met (NM_001322043.2); c.1393G>A, p.Val465Met (NM_001322045.2); short protein forms V499M, V465M, V497M, V451M.
Identifiers: ClinVar variation 96129 (VCV000096129.24), dbSNP rs146586991, ClinGen allele CA149266.
Genomic context (GRCh38, chr8:6,445,217, plus strand): 5'-AAAACCATCTCCAGTCCTCGGAAAACTGGAAATGGTGAAGGCCGTGCAACTTCGAGTTGC[G>A]TGACTTCTGCCCCTGAAGAAGCCCTAAGGTGTTGTAGACAGGCTGGGAAAGAAGACGCAT-3'
Protein context (NP_078872.3, residues 489-509): NGEGRATSSC[Val499Met]TSAPEEALRC